The following is an entry in ClinVar:

NM_018646.6(TRPV6):c.1100C>T (p.Pro367Leu)

Gene: TRPV6 (transient receptor potential cation channel subfamily V member 6; minus strand). Cytogenetic location: 7q34.
Variant type: single nucleotide variant.
Coding change: c.1100C>T on transcript NM_018646.6 (MANE Select); coding-DNA position 1100, C replaced by T.
Protein change: p.Pro367Leu; replaces proline 367 with leucine.
Molecular consequence: missense variant.
Genome position (GRCh38, 1-based): chr7:142,875,610, G>A on the plus strand (C>T on the coding strand, the complement: TRPV6 is on the minus strand). VCF-style: chr7-142875610-G-A. GRCh37 (hg19) VCF-style: chr7-142573363-G-A.
Other names: short protein forms P367L.
Identifiers: ClinVar variation 3462360 (VCV003462360.3).
Genomic context (GRCh38, chr7:142,875,610, plus strand): 5'-CAGCACATGGTGAAGCAGATGATGTACAGCAGATATATGGCACCCAGCATGCAGAAGTAC[G>A]GCCGCCCGTACCGCTTCCACTTGAGGCTCACCAGCTCCTTCACCGGCGTCTGGTCCAGGA-3'
Protein context (NP_061116.5, residues 357-377): VSLKWKRYGR[Pro367Leu]YFCMLGAIYL

ClinVar aggregate classification (germline): Uncertain significance. Review status: criteria provided, multiple submitters, no conflicts (2 of 4 stars). 2 submissions from 2 submitters: Uncertain significance (2). Last evaluated 2024-12-05.

Conditions:
Inborn genetic diseases. Identifiers: MedGen C0950123, MeSH D030342.

gnomAD v4.1: 119 of 1,613,614 alleles (0.0074%); highest among the groups gnomAD compares: Non-Finnish European, 0.0092%; no homozygotes.

Submissions (2):

Ambry Genetics
Classification: Uncertain significance for Inborn genetic diseases. Last evaluated: 2024-12-05. Review status: criteria provided, single submitter. Criteria: Ambry Variant Classification Scheme 2023. Collection method: clinical testing. Allele origin: germline.

Labcorp Genetics (formerly Invitae), Labcorp
Classification: Uncertain significance. Last evaluated: 2024-07-25. Review status: criteria provided, single submitter. Criteria: Invitae Variant Classification Sherloc (09022015). Collection method: clinical testing. Allele origin: germline.
Comment: This sequence change replaces proline, which is neutral and non-polar, with leucine, which is neutral and non-polar, at codon 367 of the TRPV6 protein (p.Pro367Leu). This variant is present in population databases (rs750766295, gnomAD 0.006%). This variant has not been reported in the literature in individuals affected with TRPV6-related conditions. Experimental studies and prediction algorithms are not available or were not evaluated, and the functional significance of this variant is currently unknown. In summary, the available evidence is currently insufficient to determine the role of this variant in disease. Therefore, it has been classified as a Variant of Uncertain Significance.